The following is an entry in ClinVar:

NM_013266.4(CTNNA3):c.2080T>C (p.Trp694Arg)

Gene: CTNNA3 (catenin alpha 3; minus strand). Cytogenetic location: 10q21.3.
Variant type: single nucleotide variant.
Coding change: c.2080T>C on transcript NM_013266.4 (MANE Select); coding-DNA position 2080, T replaced by C.
Protein change: p.Trp694Arg; replaces tryptophan 694 with arginine.
Molecular consequence: missense variant.
Genome position (GRCh38, 1-based): chr10:66,069,387, A>G on the plus strand (T>C on the coding strand, the complement: CTNNA3 is on the minus strand). VCF-style: chr10-66069387-A-G. GRCh37 (hg19) VCF-style: chr10-67829145-A-G.
Other names: c.2080T>C, p.Trp694Arg (NM_001127384.3); short protein forms W694R.
Identifiers: ClinVar variation 1035689 (VCV001035689.8), dbSNP rs2080381322, ClinGen allele CA377089633.

ClinVar aggregate classification (germline): Uncertain significance (1 of 4 stars; one submission).

Conditions:
Arrhythmogenic right ventricular dysplasia 13. Also called: Arrhythmogenic right ventricular dysplasia, familial, 13; ARRHYTHMOGENIC RIGHT VENTRICULAR CARDIOMYOPATHY 13. Identifiers: MedGen C3810138, MONDO:0000908, OMIM 615616.

Allele frequency attached by ClinVar (database versions not stated): gnomAD exomes below 0.00001.
gnomAD v4.1: 1 of 1,613,656 alleles (0.000062%); no homozygotes.

Submission:

Labcorp Genetics (formerly Invitae), Labcorp
Classification: Uncertain significance for Arrhythmogenic right ventricular dysplasia 13. Last evaluated: 2020-03-17. Review status: criteria provided, single submitter. Criteria: Invitae Variant Classification Sherloc (09022015). Collection method: clinical testing. Allele origin: germline.
Comment: This sequence change replaces tryptophan with arginine at codon 694 of the CTNNA3 protein (p.Trp694Arg). The tryptophan residue is highly conserved and there is a moderate physicochemical difference between tryptophan and arginine. In summary, the available evidence is currently insufficient to determine the role of this variant in disease. Therefore, it has been classified as a Variant of Uncertain Significance. This variant has not been reported in the literature in individuals with CTNNA3-related conditions. This variant is not present in population databases (ExAC no frequency).